The following is an entry in ClinVar:

ClinVar aggregate classification (germline): Pathogenic (1 of 4 stars; one submission).

Submission:

Labcorp Genetics (formerly Invitae), Labcorp
Classification: Pathogenic. Last evaluated: 2021-11-09. Review status: criteria provided, single submitter. Criteria: Invitae Variant Classification Sherloc (09022015). Collection method: clinical testing. Allele origin: germline.
Comment: This variant is a gross deletion of the genomic region encompassing exon(s) 13 of the MSH3 gene. This deletion is out-of-frame, and is expected to create a premature termination codon and result in an absent or disrupted protein product. Loss-of-function variants in MSH3 are known to be pathogenic (PMID: 27476653). This variant is not present in population databases (gnomAD no frequency). This variant has not been reported in the literature in individuals affected with MSH3-related conditions. Algorithms developed to predict the effect of sequence changes on RNA splicing suggest that this variant may create or strengthen a splice site. For these reasons, this variant has been classified as Pathogenic.

Literature cited by the submitters: PubMed 27476653.

NM_002439.5(MSH3):c.1764-243_1896+1del

Gene: MSH3 (mutS homolog 3; plus strand). Cytogenetic location: 5q14.1.
Variant type: Deletion.
Coding change: c.1764-243_1896+1del on transcript NM_002439.5 (MANE Select); 243 bases into the intron before coding-DNA position 1764 through the canonical splice donor site of the intron after coding-DNA position 1896, 377 bases deleted.
Molecular consequence: splice acceptor variant, splice donor variant.
Genome position (GRCh38, 1-based): chr5:80,761,303-80,761,679, 377 bases deleted. GRCh37 (hg19): chr5:80,057,122-80,057,498.
Identifiers: ClinVar variation 1444301 (VCV001444301.1), dbSNP rs2112879604, ClinGen allele CA2573139855.